The following is an entry in ClinVar:

NM_005097.4(LGI1):c.73C>T (p.Leu25Phe)

Gene: LGI1 (leucine rich glioma inactivated 1; plus strand). Cytogenetic location: 10q23.33.
Variant type: single nucleotide variant.
Coding change: c.73C>T on transcript NM_005097.4 (MANE Select); coding-DNA position 73, C replaced by T.
Protein change: p.Leu25Phe; replaces leucine 25 with phenylalanine.
Molecular consequence: missense variant. On other transcripts: non-coding transcript variant (1).
Genome position (GRCh38, 1-based): chr10:93,758,217, C>T. VCF-style: chr10-93758217-C-T. GRCh37 (hg19) VCF-style: chr10-95517974-C-T.
Other names: c.73C>T, p.Leu25Phe (NM_001308275.2, NM_001308276.2); short protein forms L25F.
Identifiers: ClinVar variation 2047097 (VCV002047097.4), dbSNP rs773989129, ClinGen allele CA5610994.

ClinVar aggregate classification (germline): Uncertain significance (1 of 4 stars; one submission).

Conditions:
Autosomal dominant epilepsy with auditory features. Identifiers: Orphanet 101046, MedGen C1838062, MONDO:0010898.

Allele frequency attached by ClinVar (database versions not stated): ExAC 0.00001; gnomAD exomes 0.00001.
gnomAD v4.1: 4 of 1,614,154 alleles (0.00025%); highest among the groups gnomAD compares: South Asian, 0.0022%; no homozygotes.

Submission:

Labcorp Genetics (formerly Invitae), Labcorp
Classification: Uncertain significance for Autosomal dominant epilepsy with auditory features. Last evaluated: 2022-01-19. Review status: criteria provided, single submitter. Criteria: Invitae Variant Classification Sherloc (09022015). Collection method: clinical testing. Allele origin: germline.
Comment: This sequence change replaces leucine, which is neutral and non-polar, with phenylalanine, which is neutral and non-polar, at codon 25 of the LGI1 protein (p.Leu25Phe). This variant is present in population databases (rs773989129, gnomAD 0.003%). This variant has not been reported in the literature in individuals affected with LGI1-related conditions. Algorithms developed to predict the effect of missense changes on protein structure and function output the following: SIFT: "Tolerated"; PolyPhen-2: "Benign"; Align-GVGD: "Class C0". The phenylalanine amino acid residue is found in multiple mammalian species, which suggests that this missense change does not adversely affect protein function. In summary, the available evidence is currently insufficient to determine the role of this variant in disease. Therefore, it has been classified as a Variant of Uncertain Significance.